The following is an entry in ClinVar:

ClinVar aggregate classification (germline): Uncertain significance. Review status: criteria provided, multiple submitters, no conflicts (2 of 4 stars). 2 submissions from 2 submitters: Uncertain significance (2). Last evaluated 2026-02-25.

Conditions:
ARSL-related disorder. Also called: ARSL-related condition.
Chondrodysplasia punctata, brachytelephalangic, autosomal. Also called: BRACHYTELEPHALANGIC CHONDRODYSPLASIA PUNCTATA. Identifiers: MedGen C1844853, MONDO:0011238, OMIM 602497.

gnomAD v4.1: 13 of 1,210,628 alleles (0.0011%); highest among the groups gnomAD compares: Non-Finnish European, 0.0015%; no homozygotes.

Submissions (2):

PreventionGenetics, part of Exact Sciences
Classification: Uncertain significance for ARSL-related condition. Last evaluated: 2026-02-25. Review status: criteria provided, single submitter. Criteria: ACMG Guidelines, 2015. Collection method: clinical testing. Allele origin: germline.
Comment: The ARSL c.1180C>T variant is predicted to result in the amino acid substitution p.Arg394Cys. This variant was reported in an individual with chondrodysplasia punctata (Zhang et al. 2015. PubMed ID: 26377240). This variant has not been reported in a large population database (gnomAD), indicating this variant is rare. However, in gnomAD v4 (available only on GRCh38), this variant is reported in 0.0014% of alleles in the European (non-Finnish) subpopulation, including 4 hemizygotes. At this time, the clinical significance of this variant is uncertain due to the absence of conclusive functional and genetic evidence.

Labcorp Genetics (formerly Invitae), Labcorp
Classification: Uncertain significance for Chondrodysplasia punctata, brachytelephalangic, autosomal. Last evaluated: 2024-10-07. Review status: criteria provided, single submitter. Criteria: Invitae Variant Classification Sherloc (09022015). Collection method: clinical testing. Allele origin: germline.
Comment: This sequence change replaces arginine, which is basic and polar, with cysteine, which is neutral and slightly polar, at codon 394 of the ARSE protein (p.Arg394Cys). This variant is not present in population databases (gnomAD no frequency). This missense change has been observed in individual(s) with clinical features of X-linked chondrodysplasia punctata (PMID: 26377240). Invitae Evidence Modeling of protein sequence and biophysical properties (such as structural, functional, and spatial information, amino acid conservation, physicochemical variation, residue mobility, and thermodynamic stability) indicates that this missense variant is not expected to disrupt ARSE protein function with a negative predictive value of 80%. In summary, the available evidence is currently insufficient to determine the role of this variant in disease. Therefore, it has been classified as a Variant of Uncertain Significance.

Literature cited by the submitters: PubMed 26377240 (cited by Labcorp Genetics (formerly Invitae), Labcorp).

NM_000047.3(ARSL):c.1180C>T (p.Arg394Cys)

Gene: ARSL (arylsulfatase L; minus strand). Cytogenetic location: Xp22.33.
Variant type: single nucleotide variant.
Coding change: c.1180C>T on transcript NM_000047.3 (MANE Select); coding-DNA position 1180, C replaced by T.
Protein change: p.Arg394Cys; replaces arginine 394 with cysteine.
Molecular consequence: missense variant.
Genome position (GRCh38, 1-based): chrX:2,938,204, G>A on the plus strand (C>T on the coding strand, the complement: ARSL is on the minus strand). VCF-style: chrX-2938204-G-A. GRCh37 (hg19) VCF-style: chrX-2856245-G-A.
Other names: c.1180C>T (NM_000047.2); c.1255C>T, p.Arg419Cys (NM_001282628.2, NM_001369080.1); c.1018C>T, p.Arg340Cys (NM_001282631.2); c.1207C>T, p.Arg403Cys (NM_001369079.1); short protein forms R394C, R340C, R403C, R419C.
Identifiers: ClinVar variation 3724030 (VCV003724030.3).